The following is an entry in ClinVar:

NM_005228.5(EGFR):c.955G>C (p.Glu319Gln)

Gene: EGFR (epidermal growth factor receptor; plus strand). Cytogenetic location: 7p11.2.
Variant type: single nucleotide variant.
Coding change: c.955G>C on transcript NM_005228.5 (MANE Select); coding-DNA position 955, G replaced by C.
Protein change: p.Glu319Gln; replaces glutamic acid 319 with glutamine.
Molecular consequence: missense variant.
Genome position (GRCh38, 1-based): chr7:55,155,895, G>C. VCF-style: chr7-55155895-G-C. GRCh37 (hg19) VCF-style: chr7-55223588-G-C.
Other names: c.820G>C, p.Glu274Gln (NM_001346897.2, NM_001346899.2); c.955G>C, p.Glu319Gln (NM_001346898.2, NM_201282.2, NM_201283.2 and 1 more transcripts); c.796G>C, p.Glu266Gln (NM_001346900.2); c.154G>C, p.Glu52Gln (NM_001346941.2); c.955G>C (NM_005228.3); short protein forms E52Q, E266Q, E274Q, E319Q.
Identifiers: ClinVar variation 1477540 (VCV001477540.10), dbSNP rs1175454134, ClinGen allele CA367578056.

ClinVar aggregate classification (germline): Uncertain significance. Review status: criteria provided, multiple submitters, no conflicts (2 of 4 stars). 2 submissions from 2 submitters: Uncertain significance (2). Last evaluated 2026-03-14.

Conditions:
Hereditary cancer-predisposing syndrome. Also called: Neoplastic Syndromes, Hereditary; Tumor predisposition; Hereditary Cancer Syndrome; Hereditary neoplastic syndrome. Identifiers: Orphanet 140162, MedGen C0027672, MeSH D009386, MONDO:0015356.
EGFR-related lung cancer (EGFR). Identifiers: MedGen CN130014.

Submissions (2):

Ambry Genetics
Classification: Uncertain significance for Hereditary cancer-predisposing syndrome. Last evaluated: 2026-03-14. Review status: criteria provided, single submitter. Criteria: Ambry Variant Classification Scheme 2023. Collection method: clinical testing. Allele origin: germline.
Comment: The p.E319Q variant (also known as c.955G>C), located in coding exon 8 of the EGFR gene, results from a G to C substitution at nucleotide position 955. The glutamic acid at codon 319 is replaced by glutamine, an amino acid with highly similar properties. This amino acid position is conserved. In addition, the in silico prediction for this alteration is inconclusive. Based on the available evidence, the clinical significance of this variant remains unclear.

Labcorp Genetics (formerly Invitae), Labcorp
Classification: Uncertain significance for EGFR-related lung cancer. Last evaluated: 2024-06-03. Review status: criteria provided, single submitter. Criteria: Invitae Variant Classification Sherloc (09022015). Collection method: clinical testing. Allele origin: germline.
Comment: This sequence change replaces glutamic acid, which is acidic and polar, with glutamine, which is neutral and polar, at codon 319 of the EGFR protein (p.Glu319Gln). This variant is not present in population databases (gnomAD no frequency). This variant has not been reported in the literature in individuals affected with EGFR-related conditions. ClinVar contains an entry for this variant (Variation ID: 1477540). Advanced modeling of protein sequence and biophysical properties (such as structural, functional, and spatial information, amino acid conservation, physicochemical variation, residue mobility, and thermodynamic stability) performed at Invitae indicates that this missense variant is not expected to disrupt EGFR protein function with a negative predictive value of 80%. In summary, the available evidence is currently insufficient to determine the role of this variant in disease. Therefore, it has been classified as a Variant of Uncertain Significance.